The following is an entry in ClinVar:

ClinVar aggregate classification (germline): Uncertain significance. Review status: criteria provided, multiple submitters, no conflicts (2 of 4 stars). 2 submissions from 2 submitters: Uncertain significance (2). Last evaluated 2025-10-22.

Conditions:
Hereditary cancer-predisposing syndrome. Also called: Hereditary Cancer Syndrome; Tumor predisposition; Hereditary neoplastic syndrome; Neoplastic Syndromes, Hereditary. Identifiers: Orphanet 140162, MedGen C0027672, MeSH D009386, MONDO:0015356.
EGFR-related lung cancer (EGFR). Identifiers: MedGen CN130014.

Allele frequency attached by ClinVar (database versions not stated): TOPMed 0.00001.

Submissions (2):

Ambry Genetics
Classification: Uncertain significance for Hereditary cancer-predisposing syndrome. Last evaluated: 2025-10-22. Review status: criteria provided, single submitter. Criteria: Ambry Variant Classification Scheme 2023. Collection method: clinical testing. Allele origin: germline.
Comment: The p.Y998C variant (also known as c.2993A>G), located in coding exon 25 of the EGFR gene, results from an A to G substitution at nucleotide position 2993. The tyrosine at codon 998 is replaced by cysteine, an amino acid with highly dissimilar properties. This amino acid position is well conserved in available vertebrate species. In addition, the in silico prediction for this alteration is inconclusive. Based on the available evidence, the clinical significance of this variant remains unclear.

Labcorp Genetics (formerly Invitae), Labcorp
Classification: Uncertain significance for EGFR-related lung cancer. Last evaluated: 2024-04-29. Review status: criteria provided, single submitter. Criteria: Invitae Variant Classification Sherloc (09022015). Collection method: clinical testing. Allele origin: germline.
Comment: This sequence change replaces tyrosine, which is neutral and polar, with cysteine, which is neutral and slightly polar, at codon 998 of the EGFR protein (p.Tyr998Cys). This variant is not present in population databases (gnomAD no frequency). This variant has not been reported in the literature in individuals affected with EGFR-related conditions. ClinVar contains an entry for this variant (Variation ID: 1045949). Advanced modeling of protein sequence and biophysical properties (such as structural, functional, and spatial information, amino acid conservation, physicochemical variation, residue mobility, and thermodynamic stability) performed at Invitae indicates that this missense variant is not expected to disrupt EGFR protein function with a negative predictive value of 80%. In summary, the available evidence is currently insufficient to determine the role of this variant in disease. Therefore, it has been classified as a Variant of Uncertain Significance.

NM_005228.5(EGFR):c.2993A>G (p.Tyr998Cys)

Gene: EGFR (epidermal growth factor receptor; plus strand). Cytogenetic location: 7p11.2.
Variant type: single nucleotide variant.
Coding change: c.2993A>G on transcript NM_005228.5 (MANE Select); coding-DNA position 2993, A replaced by G.
Protein change: p.Tyr998Cys; replaces tyrosine 998 with cysteine.
Molecular consequence: missense variant.
Genome position (GRCh38, 1-based): chr7:55,201,234, A>G. VCF-style: chr7-55201234-A-G. GRCh37 (hg19) VCF-style: chr7-55268927-A-G.
Other names: c.2993A>G (NM_005228.3); c.2858A>G, p.Tyr953Cys (NM_001346897.2, NM_001346899.2); c.2993A>G, p.Tyr998Cys (NM_001346898.2); c.2834A>G, p.Tyr945Cys (NM_001346900.2); c.2192A>G, p.Tyr731Cys (NM_001346941.2); short protein forms Y998C, Y731C, Y945C, Y953C.
Identifiers: ClinVar variation 1045949 (VCV001045949.8), dbSNP rs1289194907, ClinGen allele CA367582434.